The following is an entry in ClinVar:

NM_000051.4(ATM):c.3799G>T (p.Glu1267Ter)

Gene: ATM (ATM serine/threonine kinase; plus strand). Cytogenetic location: 11q22.3.
Variant type: single nucleotide variant.
Coding change: c.3799G>T on transcript NM_000051.4 (MANE Select); coding-DNA position 3799, G replaced by T.
Protein change: p.Glu1267Ter; replaces glutamic acid 1267 with a stop codon.
Molecular consequence: nonsense.
Genome position (GRCh38, 1-based): chr11:108,284,279, G>T. VCF-style: chr11-108284279-G-T. GRCh37 (hg19) VCF-style: chr11-108155006-G-T.
Other names: c.3799G>T, p.Glu1267Ter (NM_001351834.2); short protein forms E1267*.
Identifiers: ClinVar variation 3148049 (VCV003148049.1), dbSNP rs2135705450, ClinGen allele CA382524683.

ClinVar aggregate classification (germline): Pathogenic (1 of 4 stars; one submission).

Conditions:
Familial cancer of breast. Also called: BREAST CANCER, FAMILIAL; Hereditary breast cancer; hereditary breast carcinoma. Identifiers: Orphanet 227535, MedGen C0346153, MONDO:0016419, OMIM 114480. Disease mechanism: loss of function.

Submission:

Myriad Genetics, Inc.
Classification: Pathogenic for Familial cancer of breast. Last evaluated: 2024-01-23. Review status: criteria provided, single submitter. Criteria: Myriad Autosomal Dominant, Autosomal Recessive and X-Linked Classification Criteria (2023). Collection method: clinical testing. Allele origin: unknown.
Comment: This variant is considered pathogenic. This variant creates a termination codon and is predicted to result in premature protein truncation.